The following is an entry in ClinVar:

ClinVar aggregate classification (germline): Uncertain significance (1 of 4 stars; one submission).

Conditions:
Hereditary cancer-predisposing syndrome. Also called: Neoplastic Syndromes, Hereditary; Tumor predisposition; Hereditary neoplastic syndrome; Hereditary Cancer Syndrome. Identifiers: Orphanet 140162, MedGen C0027672, MeSH D009386, MONDO:0015356.
Cardiovascular phenotype. Identifiers: MedGen CN230736.

Submission:

Ambry Genetics
Classification: Uncertain significance for Cardiovascular phenotype; Hereditary cancer-predisposing syndrome. Last evaluated: 2023-12-20. Review status: criteria provided, single submitter. Criteria: Ambry Variant Classification Scheme 2023. Collection method: clinical testing. Allele origin: germline.
Comment: The p.S1135C variant (also known as c.3404C>G), located in coding exon 26 of the NF1 gene, results from a C to G substitution at nucleotide position 3404. The serine at codon 1135 is replaced by cysteine, an amino acid with dissimilar properties. This amino acid position is highly conserved in available vertebrate species. In addition, the in silico prediction for this alteration is inconclusive. Since supporting evidence is limited at this time, the clinical significance of this alteration remains unclear.

NM_001042492.3(NF1):c.3404C>G (p.Ser1135Cys)

Gene: NF1 (neurofibromin 1; plus strand). Cytogenetic location: 17q11.2.
Variant type: single nucleotide variant.
Coding change: c.3404C>G on transcript NM_001042492.3 (MANE Select); coding-DNA position 3404, C replaced by G.
Protein change: p.Ser1135Cys; replaces serine 1135 with cysteine.
Molecular consequence: missense variant.
Genome position (GRCh38, 1-based): chr17:31,232,789, C>G. VCF-style: chr17-31232789-C-G. GRCh37 (hg19) VCF-style: chr17-29559807-C-G.
Other names: c.3404C>G, p.Ser1135Cys (NM_000267.4); short protein forms S1135C.
Identifiers: ClinVar variation 3237729 (VCV003237729.1), dbSNP rs1555614952.